The following is an entry in ClinVar:

NM_000138.5(FBN1):c.808G>C (p.Glu270Gln)

Gene: FBN1 (fibrillin 1; minus strand). Cytogenetic location: 15q21.1.
Variant type: single nucleotide variant.
Coding change: c.808G>C on transcript NM_000138.5 (MANE Select); coding-DNA position 808, G replaced by C.
Protein change: p.Glu270Gln; replaces glutamic acid 270 with glutamine.
Molecular consequence: missense variant.
Genome position (GRCh38, 1-based): chr15:48,534,134, C>G on the plus strand (G>C on the coding strand, the complement: FBN1 is on the minus strand). VCF-style: chr15-48534134-C-G. GRCh37 (hg19) VCF-style: chr15-48826331-C-G.
Other names: short protein forms E270Q.
Identifiers: ClinVar variation 920377 (VCV000920377.17), dbSNP rs2043994842, ClinGen allele CA392352523.

ClinVar aggregate classification (germline): Uncertain significance. Review status: criteria provided, multiple submitters, no conflicts (2 of 4 stars). 4 submissions from 4 submitters: Uncertain significance (4). Last evaluated 2024-03-07.

Conditions:
Familial thoracic aortic aneurysm and aortic dissection (TAAD). Also called: Thoracic aortic aneurysms and dissections. Identifiers: Orphanet 91387, MedGen C4707243, MONDO:0019625.
Marfan syndrome (MFS). Also called: Marfan syndrome, classic; Marfan syndrome type 1; Marfan's syndrome; FBN1-Related Marfan Syndrome; MARFAN SYNDROME, TYPE I. Identifiers: Orphanet 284963, Orphanet 558, MedGen C0024796, MONDO:0007947, OMIM 154700.

Allele frequency attached by ClinVar (database versions not stated): TOPMed below 0.00001.
gnomAD v4.1: 3 of 1,613,192 alleles (0.00019%); highest among the groups gnomAD compares: Non-Finnish European, 0.00025%; no homozygotes.

Submissions (4):

Color Diagnostics, LLC DBA Color Health
Classification: Uncertain significance for Familial thoracic aortic aneurysm and aortic dissection. Last evaluated: 2024-03-07. Review status: criteria provided, single submitter. Criteria: ACMG Guidelines, 2015. Collection method: clinical testing. Allele origin: germline.
Comment: This missense variant replaces glutamic acid with glutamine at codon 270 of the FBN1 protein. Computational prediction suggests that this variant may not impact protein structure and function (internally defined REVEL score threshold <= 0.5, PMID: 27666373). To our knowledge, functional studies have not been reported for this variant. This variant has not been reported in individuals affected with FBN1-related disorders in the literature. This variant has not been identified in the general population by the Genome Aggregation Database (gnomAD). The available evidence is insufficient to determine the role of this variant in disease conclusively. Therefore, this variant is classified as a Variant of Uncertain Significance.

All of Us Research Program, National Institutes of Health
Classification: Uncertain significance for Marfan syndrome. Last evaluated: 2023-11-02. Review status: criteria provided, single submitter. Criteria: ACMG Guidelines, 2015. Collection method: clinical testing. Allele origin: germline. Inheritance: Autosomal dominant inheritance. Observed: 2 variant alleles, 2 heterozygotes.
Comment: This missense variant replaces glutamic acid with glutamine at codon 270 of the FBN1 protein. Computational prediction suggests that this variant may not impact protein structure and function (internally defined REVEL score threshold <= 0.5, PMID: 27666373). To our knowledge, functional studies have not been reported for this variant. This variant has not been reported in individuals affected with cardiovascular disorders in the literature. This variant has not been identified in the general population by the Genome Aggregation Database (gnomAD). The available evidence is insufficient to determine the role of this variant in disease conclusively. Therefore, this variant is classified as a Variant of Uncertain Significance.

This study involves interpretation of variants in research participants for the purpose of population health screening. Participant phenotype was not available at the time of variant classification. Additional details can be found in publication PMID: 35346344, PMCID: PMC8962531

Labcorp Genetics (formerly Invitae), Labcorp
Classification: Uncertain significance for Marfan syndrome; Familial thoracic aortic aneurysm and aortic dissection. Last evaluated: 2022-09-01. Review status: criteria provided, single submitter. Criteria: Invitae Variant Classification Sherloc (09022015). Collection method: clinical testing. Allele origin: germline.
Comment: In summary, the available evidence is currently insufficient to determine the role of this variant in disease. Therefore, it has been classified as a Variant of Uncertain Significance. Advanced modeling of protein sequence and biophysical properties (such as structural, functional, and spatial information, amino acid conservation, physicochemical variation, residue mobility, and thermodynamic stability) performed at Invitae indicates that this missense variant is not expected to disrupt FBN1 protein function. ClinVar contains an entry for this variant (Variation ID: 920377). This variant has not been reported in the literature in individuals affected with FBN1-related conditions. This variant is not present in population databases (gnomAD no frequency). This sequence change replaces glutamic acid, which is acidic and polar, with glutamine, which is neutral and polar, at codon 270 of the FBN1 protein (p.Glu270Gln).

Ambry Genetics
Classification: Uncertain significance for Familial thoracic aortic aneurysm and aortic dissection. Last evaluated: 2022-02-16. Review status: criteria provided, single submitter. Criteria: Ambry Variant Classification Scheme 2023. Collection method: clinical testing. Allele origin: germline.
Comment: The p.E270Q variant (also known as c.808G>C), located in coding exon 7 of the FBN1 gene, results from a G to C substitution at nucleotide position 808. The glutamic acid at codon 270 is replaced by glutamine, an amino acid with highly similar properties. This amino acid position is highly conserved in available vertebrate species. In addition, the in silico prediction for this alteration is inconclusive. Since supporting evidence is limited at this time, the clinical significance of this alteration remains unclear.